The following is an entry in ClinVar:

NM_000516.7(GNAS):c.246C>G (p.Ser82Arg)

Gene: GNAS (GNAS complex locus; plus strand). Cytogenetic location: 20q13.32.
Variant type: single nucleotide variant.
Coding change: c.246C>G on transcript NM_000516.7 (MANE Select); coding-DNA position 246, C replaced by G.
Protein change: p.Ser82Arg; replaces serine 82 with arginine.
Molecular consequence: missense variant. On other transcripts: 3 prime UTR variant (3), non-coding transcript variant (2), intron variant (6).
Genome position (GRCh38, 1-based): chr20:58,898,974, C>G. VCF-style: chr20-58898974-C-G. GRCh37 (hg19) VCF-style: chr20-57474029-C-G.
Other names: c.246C>G, p.Ser82Arg (NM_001077488.5, NM_001309842.2); c.*107C>G (NM_001077490.3); c.69C>G, p.Ser23Arg (NM_001309840.2, NM_001309861.2, NM_001438276.1 and 1 more transcripts); c.*265C>G (NM_001309883.1); c.150C>G, p.Ser50Arg (NM_001410912.1); c.*149C>G (NM_016592.5); c.2175C>G, p.Ser725Arg (NM_080425.4); c.2141+3290C>G (NM_001410913.1); and 3 more; short protein forms S23R, S725R, S50R, S82R.
Identifiers: ClinVar variation 4763943 (VCV004763943.2).

ClinVar aggregate classification (germline): Uncertain significance. Review status: criteria provided, multiple submitters, no conflicts (2 of 4 stars). 2 submissions from 2 submitters: Uncertain significance (2). Last evaluated 2025-10-10.

Conditions:
GNAS-related disorder. Identifiers: MedGen CN380105.

gnomAD v4.1: 10 of 1,613,062 alleles (0.00062%); highest among the groups gnomAD compares: Non-Finnish European, 0.00076%; no homozygotes.

Submissions (2):

PreventionGenetics, part of Exact Sciences
Classification: Uncertain significance for GNAS-related condition. Last evaluated: 2025-10-10. Review status: criteria provided, single submitter. Criteria: ACMG Guidelines, 2015. Collection method: clinical testing. Allele origin: germline.
Comment: The GNAS c.246C>G variant is predicted to result in the amino acid substitution p.Ser82Arg. To our knowledge, this variant has not been reported in the literature. This variant is reported in 0.0018% of alleles in individuals of European (Non-Finnish) descent in gnomAD. At this time, the clinical significance of this variant is uncertain due to the absence of conclusive functional and genetic evidence.

Labcorp Genetics (formerly Invitae), Labcorp
Classification: Uncertain significance. Last evaluated: 2025-09-15. Review status: criteria provided, single submitter. Criteria: Invitae Variant Classification Sherloc (09022015). Collection method: clinical testing. Allele origin: germline.
Comment: This sequence change replaces serine, which is neutral and polar, with arginine, which is basic and polar, at codon 82 of the GNAS protein (p.Ser82Arg). This variant is not present in population databases (gnomAD no frequency). This variant has not been reported in the literature in individuals affected with GNAS-related conditions. Invitae Evidence Modeling of protein sequence and biophysical properties (such as structural, functional, and spatial information, amino acid conservation, physicochemical variation, residue mobility, and thermodynamic stability) indicates that this missense variant is not expected to disrupt GNAS protein function with a negative predictive value of 80%. In summary, the available evidence is currently insufficient to determine the role of this variant in disease. Therefore, it has been classified as a Variant of Uncertain Significance.